The following is an entry in ClinVar:

ClinVar aggregate classification (germline): Likely benign (0 of 4 stars; one submission).

Conditions:
PEAK1-related disorder. Also called: PEAK1-related condition.

Allele frequency attached by ClinVar (database versions not stated): gnomAD 0.00139; TOPMed 0.00163; ExAC 0.00347; 1000 Genomes Project 0.00599; 1000 Genomes Project 30x 0.00609.
gnomAD v4.1: 2,133 of 1,614,090 alleles (0.13%); highest among the groups gnomAD compares: East Asian, 3.1%; 32 homozygotes.

Submission:

PreventionGenetics, part of Exact Sciences
Classification: Likely benign for PEAK1-related condition. Last evaluated: 2024-06-13. Review status: no assertion criteria provided. Collection method: clinical testing. Allele origin: germline.
Comment: This variant is classified as likely benign based on ACMG/AMP sequence variant interpretation guidelines (Richards et al. 2015 PMID: 25741868, with internal and published modifications).

NM_001385026.1(PEAK1):c.1318T>C (p.Ser440Pro)

Gene: PEAK1 (pseudopodium enriched atypical kinase 1; minus strand). Cytogenetic location: 15q24.3.
Variant type: single nucleotide variant.
Coding change: c.1318T>C on transcript NM_001385026.1 (MANE Select); coding-DNA position 1318, T replaced by C.
Protein change: p.Ser440Pro; replaces serine 440 with proline.
Molecular consequence: missense variant.
Genome position (GRCh38, 1-based): chr15:77,180,609, A>G on the plus strand (T>C on the coding strand, the complement: PEAK1 is on the minus strand). VCF-style: chr15-77180609-A-G. GRCh37 (hg19) VCF-style: chr15-77472951-A-G.
Other names: c.1318T>C, p.Ser440Pro (NM_001385027.1, NM_001387085.1, NM_001387086.1 and 1 more transcripts); short protein forms S440P.
Identifiers: ClinVar variation 3034699 (VCV003034699.2), dbSNP rs35335169, ClinGen allele CA7677190.
Genomic context (GRCh38, chr15:77,180,609, plus strand): 5'-TTGCTTGCTCTTCTGTGGGGACAAGGTTTATGGTTACTGCTTGCCCAGCAACATCTGTAG[A>G]GGCTTTACTTTCTTCCTTCTCAGTTTGTACAGCAATCTTGCCATCTTTCTCTTCTAATCG-3'
Protein context (NP_001371955.1, residues 430-450): VQTEKEESKA[Ser440Pro]TDVAGQAVTI